The following is an entry in ClinVar:

ClinVar aggregate classification (germline): Uncertain significance. Review status: criteria provided, multiple submitters, no conflicts (2 of 4 stars). 8 submissions from 8 submitters: Uncertain significance (7). 1 of the submissions does not count toward it. Last evaluated 2026-04-22.

Conditions:
Cardiac arrhythmia. Also called: Arrhythmia; Cardiac rhythm disease. Identifiers: MedGen C0003811, MONDO:0007263, HP:0011675.
Cardiovascular phenotype. Identifiers: MedGen CN230736.
KCNQ1-related disorder. Also called: KCNQ1-related condition; KCNQ1-related disorders. Identifiers: MedGen CN239322.
Long QT syndrome (LQTS). Identifiers: MedGen C0023976, MeSH D008133, MONDO:0002442. Disease mechanism: loss of function. Inheritance: Various modes of inheritance.

Allele frequency attached by ClinVar (database versions not stated): gnomAD 0.00006 and 0.00004; TOPMed 0.00006; ESP Exome Variant Server 0.00008; 1000 Genomes Project 30x 0.00016; 1000 Genomes Project 0.00020.
gnomAD v4.1: 24 of 1,613,788 alleles (0.0015%); highest among the groups gnomAD compares: African/African-American, 0.017%; no homozygotes.

Submissions (8):

PreventionGenetics, part of Exact Sciences
Classification: Uncertain significance for KCNQ1-related condition. Last evaluated: 2026-04-22. Review status: criteria provided, single submitter. Criteria: ACMG Guidelines, 2015. Collection method: clinical testing. Allele origin: germline.
Comment: The KCNQ1 c.889G>A variant is predicted to result in the amino acid substitution p.Gly297Ser. To our knowledge, this variant has not been reported in the literature. This variant is reported in 0.012% of alleles in individuals of African descent in gnomAD. At this time, the clinical significance of this variant is uncertain due to the absence of conclusive functional and genetic evidence.

Color Diagnostics, LLC DBA Color Health
Classification: Uncertain significance for Cardiac arrhythmia. Last evaluated: 2025-10-07. Review status: criteria provided, single submitter. Criteria: ACMG Guidelines, 2015. Collection method: clinical testing. Allele origin: germline.
Comment: This missense variant replaces glycine with serine at codon 297 of the KCNQ1 protein. Computational prediction is inconclusive regarding the impact of this variant on protein structure and function. To our knowledge, functional studies have not been reported for this variant. This variant has not been reported in individuals affected with KCNQ1-related disorders in the literature. This variant has been identified in 24/1613788 chromosomes in the general population by the Genome Aggregation Database (gnomAD). The available evidence is insufficient to determine the role of this variant in disease conclusively. Therefore, this variant is classified as a Variant of Uncertain Significance.

Labcorp Genetics (formerly Invitae), Labcorp
Classification: Uncertain significance for Long QT syndrome. Last evaluated: 2025-06-02. Review status: criteria provided, single submitter. Criteria: Invitae Variant Classification Sherloc (09022015). Collection method: clinical testing. Allele origin: germline.
Comment: This sequence change replaces glycine, which is neutral and non-polar, with serine, which is neutral and polar, at codon 297 of the KCNQ1 protein (p.Gly297Ser). This variant is present in population databases (rs34320941, gnomAD 0.01%). This variant has not been reported in the literature in individuals affected with KCNQ1-related conditions. ClinVar contains an entry for this variant (Variation ID: 67120). Invitae Evidence Modeling of protein sequence and biophysical properties (such as structural, functional, and spatial information, amino acid conservation, physicochemical variation, residue mobility, and thermodynamic stability) indicates that this missense variant is not expected to disrupt KCNQ1 protein function with a negative predictive value of 95%. In summary, the available evidence is currently insufficient to determine the role of this variant in disease. Therefore, it has been classified as a Variant of Uncertain Significance.

All of Us Research Program, National Institutes of Health
Classification: Uncertain significance for Long QT syndrome. Last evaluated: 2024-06-11. Review status: criteria provided, single submitter. Criteria: ACMG Guidelines, 2015. Collection method: clinical testing. Allele origin: germline. Inheritance: Autosomal dominant inheritance. Observed: 6 variant alleles, 6 heterozygotes.
Comment: This missense variant replaces glycine with serine at codon 297 of the KCNQ1 protein. Computational prediction is inconclusive regarding the impact of this variant on protein structure and function (internally defined REVEL score threshold 0.5 < inconclusive < 0.7, PMID: 27666373). To our knowledge, functional studies have not been reported for this variant. This variant has been reported in an individual from an apparently healthy control cohort (PMID: 19841300). This variant has been identified in 5/250094 chromosomes in the general population by the Genome Aggregation Database (gnomAD). The available evidence is insufficient to determine the role of this variant in disease conclusively. Therefore, this variant is classified as a Variant of Uncertain Significance.

This study involves interpretation of variants in research participants for the purpose of population health screening. Participant phenotype was not available at the time of variant classification. Additional details can be found in publication PMID: 35346344, PMCID: PMC8962531

Women's Health and Genetics/Laboratory Corporation of America, LabCorp
Classification: Uncertain significance. Last evaluated: 2020-07-27. Review status: criteria provided, single submitter. Criteria: LabCorp Variant Classification Summary - May 2015. Collection method: clinical testing. Allele origin: germline.
Comment: Variant summary: KCNQ1 c.889G>A (p.Gly297Ser) results in a non-conservative amino acid change located in the Ion transport domain (IPR005821) of the encoded protein sequence. Three of four in-silico tools predict a damaging effect of the variant on protein function. The variant allele was found at a frequency of 2e-05 in 250094 control chromosomes (gnomAD). The available data on variant occurrences in the general population are insufficient to allow any conclusion about variant significance. To our knowledge, no occurrence of c.889G>A in individuals affected with Arrhythmia or experimental evidence demonstrating an impact on protein function has been reported. One ClinVar submitter (evaluation after 2014) cite the variant as uncertain significance. Based on the evidence outlined above, the variant was classified as uncertain significance.

Ambry Genetics
Classification: Uncertain significance for Cardiovascular phenotype. Last evaluated: 2019-06-27. Review status: criteria provided, single submitter. Criteria: Ambry Variant Classification Scheme 2023. Collection method: clinical testing. Allele origin: germline.

GeneDx
Classification: Uncertain significance. Last evaluated: 2019-03-28. Review status: criteria provided, single submitter. Criteria: GeneDx Variant Classification Process June 2021. Collection method: clinical testing. Allele origin: germline. Affected: yes.
Comment: Reported in at least one African American individual from a cohort of apparently healthy individuals, although follow-up cardiac evaluations or segregation studies were not described (Ackerman et al., 2003; Kapa et al., 2009; Giudicessi et al., 2012); Not observed at a significant frequency in large population cohorts (Lek et al., 2016); In silico analysis, which includes protein predictors and evolutionary conservation, supports that this variant does not alter protein structure/function; This variant is associated with the following publications: (PMID: 19841300, 14661677, 22949429)

Cardiovascular Biomedical Research Unit, Royal Brompton & Harefield NHS Foundation Trust
No classification provided. Review status: no classification provided. Collection method: literature only. Allele origin: germline. Not counted in ClinVar's aggregate classification.
Comment: This variant has been reported in the following publications (PMID:14661677;PMID:19841300).

Literature cited by the submitters: PubMed 19841300 (cited by All of Us Research Program, National Institutes of Health and Cardiovascular Biomedical Research Unit, Royal Brompton & Harefield NHS Foundation Trust); PubMed 14661677 (cited by Women's Health and Genetics/Laboratory Corporation of America, LabCorp and Cardiovascular Biomedical Research Unit, Royal Brompton & Harefield NHS Foundation Trust); PubMed 22947121 (cited by Women's Health and Genetics/Laboratory Corporation of America, LabCorp); PubMed 25649125 (cited by Women's Health and Genetics/Laboratory Corporation of America, LabCorp); PubMed 22581653 (cited by Cardiovascular Biomedical Research Unit, Royal Brompton & Harefield NHS Foundation Trust).

NM_000218.3(KCNQ1):c.889G>A (p.Gly297Ser)

Gene: KCNQ1 (potassium voltage-gated channel subfamily Q member 1; plus strand). Cytogenetic location: 11p15.5.
Variant type: single nucleotide variant.
Coding change: c.889G>A on transcript NM_000218.3 (MANE Select); coding-DNA position 889, G replaced by A.
Protein change: p.Gly297Ser; replaces glycine 297 with serine.
Molecular consequence: missense variant.
Genome position (GRCh38, 1-based): chr11:2,572,954, G>A. VCF-style: chr11-2572954-G-A. GRCh37 (hg19) VCF-style: chr11-2594184-G-A.
Other names: c.889G>A (LRG_287t1); c.889G>A, p.Gly297Ser (NM_001406836.1); c.619G>A, p.Gly207Ser (NM_001406837.1); c.508G>A, p.Gly170Ser (NM_181798.2); short protein forms G297S, G170S, G207S.
Identifiers: ClinVar variation 67120 (VCV000067120.16), dbSNP rs34320941, ClinGen allele CA008547.